The following is an entry in ClinVar:

ClinVar aggregate classification (germline): Likely benign (0 of 4 stars; one submission).

Conditions:
POLQ-related disorder. Also called: POLQ-related condition.

gnomAD v4.1: 89 of 1,582,822 alleles (0.0056%); highest among the groups gnomAD compares: Non-Finnish European, 0.0075%; no homozygotes.

Submission:

PreventionGenetics, part of Exact Sciences
Classification: Likely benign for POLQ-related condition. Last evaluated: 2019-07-16. Review status: no assertion criteria provided. Collection method: clinical testing. Allele origin: germline.
Comment: This variant is classified as likely benign based on ACMG/AMP sequence variant interpretation guidelines (Richards et al. 2015 PMID: 25741868, with internal and published modifications).

NM_199420.4(POLQ):c.1960-8C>T

Gene: POLQ (DNA polymerase theta; minus strand). Cytogenetic location: 3q13.33.
Variant type: single nucleotide variant.
Coding change: c.1960-8C>T on transcript NM_199420.4 (MANE Select); 8 bases into the intron before coding-DNA position 1960, C replaced by T.
Molecular consequence: intron variant.
Genome position (GRCh38, 1-based): chr3:121,498,678, G>A on the plus strand (C>T on the coding strand, the complement: POLQ is on the minus strand). VCF-style: chr3-121498678-G-A. GRCh37 (hg19) VCF-style: chr3-121217525-G-A.
Identifiers: ClinVar variation 3351023 (VCV003351023.1).